The following is an entry in ClinVar:

ClinVar aggregate classification (germline): Uncertain significance (1 of 4 stars; one submission).

Submission:

Labcorp Genetics (formerly Invitae), Labcorp
Classification: Uncertain significance. Last evaluated: 2022-02-20. Review status: criteria provided, single submitter. Criteria: Invitae Variant Classification Sherloc (09022015). Collection method: clinical testing. Allele origin: germline.
Comment: This sequence change replaces proline, which is neutral and non-polar, with histidine, which is basic and polar, at codon 175 of the NPHS2 protein (p.Pro175His). In summary, the available evidence is currently insufficient to determine the role of this variant in disease. Therefore, it has been classified as a Variant of Uncertain Significance. This variant disrupts the p.Pro175 amino acid residue in NPHS2. Other variant(s) that disrupt this residue have been observed in individuals with NPHS2-related conditions (PMID: 26820844), which suggests that this may be a clinically significant amino acid residue. Advanced modeling of protein sequence and biophysical properties (such as structural, functional, and spatial information, amino acid conservation, physicochemical variation, residue mobility, and thermodynamic stability) performed at Invitae indicates that this missense variant is expected to disrupt NPHS2 protein function. This missense change has been observed in individual(s) with steroid resistant nephrotic syndrome (Invitae). This variant is not present in population databases (gnomAD no frequency).

Literature cited by the submitters: PubMed 26820844.

NM_014625.4(NPHS2):c.524C>A (p.Pro175His)

Gene: NPHS2 (NPHS2 stomatin family member, podocin; minus strand). Cytogenetic location: 1q25.2.
Variant type: single nucleotide variant.
Coding change: c.524C>A on transcript NM_014625.4 (MANE Select); coding-DNA position 524, C replaced by A.
Protein change: p.Pro175His; replaces proline 175 with histidine.
Molecular consequence: missense variant.
Genome position (GRCh38, 1-based): chr1:179,559,689, G>T on the plus strand (C>A on the coding strand, the complement: NPHS2 is on the minus strand). VCF-style: chr1-179559689-G-T. GRCh37 (hg19) VCF-style: chr1-179528824-G-T.
Other names: c.524C>A, p.Pro175His (NM_001297575.2); short protein forms P175H.
Identifiers: ClinVar variation 2099927 (VCV002099927.4), dbSNP rs1410390210, ClinGen allele CA343568750.